The following is an entry in ClinVar:

NM_198904.4(GABRG2):c.107+12C>T

Gene: GABRG2 (gamma-aminobutyric acid type A receptor subunit gamma2; plus strand). Cytogenetic location: 5q34.
Variant type: single nucleotide variant.
Coding change: c.107+12C>T on transcript NM_198904.4 (MANE Select); 12 bases into the intron after coding-DNA position 107, C replaced by T.
Molecular consequence: intron variant.
Genome position (GRCh38, 1-based): chr5:162,068,118, C>T. VCF-style: chr5-162068118-C-T. GRCh37 (hg19) VCF-style: chr5-161495124-C-T.
Other names: c.107+12C>T (NM_000816.3, NM_001375343.1, NM_001375344.1 and 5 more transcripts); c.-300+12C>T (NM_001375349.1); c.-252+12C>T (NM_001375350.1, NM_001375348.1); c.41+12C>T (NM_001375346.1, NM_001375345.1); c.20+477C>T (NM_001375347.1).
Identifiers: ClinVar variation 205537 (VCV000205537.14), dbSNP rs369466385, ClinGen allele CA314702.

ClinVar aggregate classification (germline): Conflicting classifications of pathogenicity. Review status: criteria provided, conflicting classifications (1 of 4 stars). 5 submissions from 5 submitters: Uncertain significance (1); Benign (2); Likely benign (2). Last evaluated 2026-09-01.

Conditions:
EPILEPSY, CHILDHOOD ABSENCE, SUSCEPTIBILITY TO, 2 (ECA2). Identifiers: Orphanet 64280, MedGen C1843244, OMIM 607681.
Febrile seizures, familial, 8 (FEB8). Also called: CONVULSIONS, FAMILIAL FEBRILE, 8. Identifiers: Orphanet 36387, MedGen C1969810, MONDO:0011891, OMIM 607681.

Allele frequency attached by ClinVar (database versions not stated): TOPMed 0.00014; ESP Exome Variant Server 0.00015; gnomAD 0.00018 and 0.00024; gnomAD exomes 0.00027 and 0.00032; ExAC 0.00034.

Submissions (5):

CeGaT Center for Human Genetics Tuebingen
Classification: Likely benign. Last evaluated: 2026-09-01. Review status: criteria provided, single submitter. Criteria: CeGaT Center For Human Genetics Tuebingen Variant Classification Criteria Version 2. Collection method: clinical testing. Allele origin: germline. Affected: yes. Observed: 3 variant alleles.
Comment: GABRG2: BS1

Labcorp Genetics (formerly Invitae), Labcorp
Classification: Benign for Febrile seizures, familial, 8; EPILEPSY, CHILDHOOD ABSENCE, SUSCEPTIBILITY TO, 2. Last evaluated: 2025-08-25. Review status: criteria provided, single submitter. Criteria: Invitae Variant Classification Sherloc (09022015). Collection method: clinical testing. Allele origin: germline.

Blueprint Genetics
Classification: Likely benign. Last evaluated: 2024-11-21. Review status: criteria provided, single submitter. Criteria: ACMG Guidelines, 2015. Collection method: clinical testing. Allele origin: germline.

Illumina Laboratory Services, Illumina
Classification: Uncertain significance for Febrile seizures, familial, 8. Last evaluated: 2018-01-12. Review status: criteria provided, single submitter. Criteria: ICSL Variant Classification Criteria 13 December 2019. Collection method: clinical testing. Allele origin: germline.

GeneDx
Classification: Benign. Last evaluated: 2014-07-01. Review status: criteria provided, single submitter. Criteria: GeneDx Variant Classification (06012015). Collection method: clinical testing. Allele origin: germline. Affected: yes.
Comment: This variant is considered likely benign or benign based on one or more of the following criteria: it is a conservative change, it occurs at a poorly conserved position in the protein, it is predicted to be benign by multiple in silico algorithms, and/or has population frequency not consistent with disease.